The following is an entry in ClinVar:

ClinVar aggregate classification (germline): Uncertain significance (1 of 4 stars; one submission).

Conditions:
Early-infantile DEE. Also called: Ohtahara syndrome; Early infantile epileptic encephalopathy with suppression bursts; Early infantile epileptic encephalopathy. Identifiers: Orphanet 1934, MedGen C0393706, MONDO:0800491.

Submission:

Labcorp Genetics (formerly Invitae), Labcorp
Classification: Uncertain significance for Early-infantile DEE. Last evaluated: 2024-12-17. Review status: criteria provided, single submitter. Criteria: Invitae Variant Classification Sherloc (09022015). Collection method: clinical testing. Allele origin: germline.
Comment: This sequence change replaces alanine, which is neutral and non-polar, with aspartic acid, which is acidic and polar, at codon 127 of the GNAO1 protein (p.Ala127Asp). This variant is not present in population databases (gnomAD no frequency). This variant has not been reported in the literature in individuals affected with GNAO1-related conditions. Invitae Evidence Modeling of protein sequence and biophysical properties (such as structural, functional, and spatial information, amino acid conservation, physicochemical variation, residue mobility, and thermodynamic stability) has been performed for this missense variant. However, the output from this modeling did not meet the statistical confidence thresholds required to predict the impact of this variant on GNAO1 protein function. In summary, the available evidence is currently insufficient to determine the role of this variant in disease. Therefore, it has been classified as a Variant of Uncertain Significance.

NM_020988.3(GNAO1):c.380C>A (p.Ala127Asp)

Gene: GNAO1 (G protein subunit alpha o1; plus strand). Cytogenetic location: 16q13.
Variant type: single nucleotide variant.
Coding change: c.380C>A on transcript NM_020988.3 (MANE Select); coding-DNA position 380, C replaced by A.
Protein change: p.Ala127Asp; replaces alanine 127 with aspartic acid.
Molecular consequence: missense variant.
Genome position (GRCh38, 1-based): chr16:56,328,707, C>A. VCF-style: chr16-56328707-C-A. GRCh37 (hg19) VCF-style: chr16-56362619-C-A.
Other names: c.380C>A, p.Ala127Asp (NM_138736.3); short protein forms A127D.
Identifiers: ClinVar variation 3687950 (VCV003687950.2).